The following is an entry in ClinVar:

ClinVar aggregate classification (germline): Uncertain significance (1 of 4 stars; one submission).

Submission:

Labcorp Genetics (formerly Invitae), Labcorp
Classification: Uncertain significance. Last evaluated: 2024-01-22. Review status: criteria provided, single submitter. Criteria: Invitae Variant Classification Sherloc (09022015). Collection method: clinical testing. Allele origin: germline.
Comment: This sequence change replaces cysteine, which is neutral and slightly polar, with tyrosine, which is neutral and polar, at codon 270 of the NECTIN4 protein (p.Cys270Tyr). This variant is not present in population databases (gnomAD no frequency). This variant has not been reported in the literature in individuals affected with NECTIN4-related conditions. Advanced modeling of protein sequence and biophysical properties (such as structural, functional, and spatial information, amino acid conservation, physicochemical variation, residue mobility, and thermodynamic stability) performed at Invitae indicates that this missense variant is expected to disrupt NECTIN4 protein function with a positive predictive value of 80%. In summary, the available evidence is currently insufficient to determine the role of this variant in disease. Therefore, it has been classified as a Variant of Uncertain Significance.

NM_030916.3(NECTIN4):c.809G>A (p.Cys270Tyr)

Gene: NECTIN4 (nectin cell adhesion molecule 4; minus strand). Cytogenetic location: 1q23.3.
Variant type: single nucleotide variant.
Coding change: c.809G>A on transcript NM_030916.3 (MANE Select); coding-DNA position 809, G replaced by A.
Protein change: p.Cys270Tyr; replaces cysteine 270 with tyrosine.
Molecular consequence: missense variant.
Genome position (GRCh38, 1-based): chr1:161,076,397, C>T on the plus strand (G>A on the coding strand, the complement: NECTIN4 is on the minus strand). VCF-style: chr1-161076397-C-T. GRCh37 (hg19) VCF-style: chr1-161046187-C-T.
Other names: short protein forms C270Y.
Identifiers: ClinVar variation 3019371 (VCV003019371.3), dbSNP rs2524748390, ClinGen allele CA343352763.